The following is an entry in ClinVar:

NM_020937.4(FANCM):c.4936G>C (p.Ala1646Pro)

Gene: FANCM (FA complementation group M; plus strand). Cytogenetic location: 14q21.2.
Variant type: single nucleotide variant.
Coding change: c.4936G>C on transcript NM_020937.4 (MANE Select); coding-DNA position 4936, G replaced by C.
Protein change: p.Ala1646Pro; replaces alanine 1646 with proline.
Molecular consequence: missense variant.
Genome position (GRCh38, 1-based): chr14:45,188,958, G>C. VCF-style: chr14-45188958-G-C. GRCh37 (hg19) VCF-style: chr14-45658161-G-C.
Other names: c.4936G>C (LRG_502t1); c.4858G>C, p.Ala1620Pro (NM_001308133.2); short protein forms A1646P, A1620P.
Identifiers: ClinVar variation 655925 (VCV000655925.9), dbSNP rs751104662, ClinGen allele CA7169879.

ClinVar aggregate classification (germline): Uncertain significance (1 of 4 stars; one submission).

Conditions:
Fanconi anemia (FA). Also called: Fanconi's anemia. Identifiers: Orphanet 84, MedGen C0015625, MeSH D005199, MONDO:0019391.

Allele frequency attached by ClinVar (database versions not stated): gnomAD exomes 0.00002 and 0.00005; ExAC 0.00003.
gnomAD v4.1: 34 of 1,614,012 alleles (0.0021%); highest among the groups gnomAD compares: South Asian, 0.036%; no homozygotes.

Submission:

Labcorp Genetics (formerly Invitae), Labcorp
Classification: Uncertain significance for Fanconi anemia. Last evaluated: 2021-06-06. Review status: criteria provided, single submitter. Criteria: Invitae Variant Classification Sherloc (09022015). Collection method: clinical testing. Allele origin: germline.
Comment: This sequence change replaces alanine with proline at codon 1646 of the FANCM protein (p.Ala1646Pro). The alanine residue is weakly conserved and there is a small physicochemical difference between alanine and proline. This variant is present in population databases (rs751104662, ExAC 0.02%). This variant has been observed in an unaffected control individual with a family history of leukemia (PMID: 26067930). Algorithms developed to predict the effect of missense changes on protein structure and function are either unavailable or do not agree on the potential impact of this missense change (SIFT: "Tolerated"; PolyPhen-2: "Possibly Damaging"; Align-GVGD: "Class C0"). In summary, the available evidence is currently insufficient to determine the role of this variant in disease. Therefore, it has been classified as a Variant of Uncertain Significance.

Literature cited by the submitters: PubMed 26067930.